The following is an entry in ClinVar:

ClinVar aggregate classification (germline): Pathogenic/Likely pathogenic. Review status: criteria provided, multiple submitters, no conflicts (2 of 4 stars). 8 submissions from 8 submitters: Pathogenic (2); Likely pathogenic (6). Last evaluated 2025-08-18.

Conditions:
Marfan Syndrome/Loeys-Dietz Syndrome/Familial Thoracic Aortic Aneurysms and Dissections. Identifiers: MedGen CN229799.
Familial thoracic aortic aneurysm and aortic dissection (TAAD). Also called: Thoracic aortic aneurysms and dissections. Identifiers: Orphanet 91387, MedGen C4707243, MONDO:0019625.
Marfan syndrome (MFS). Also called: Marfan syndrome type 1; MARFAN SYNDROME, TYPE I; Marfan's syndrome; FBN1-Related Marfan Syndrome; Marfan syndrome, classic. Identifiers: Orphanet 284963, Orphanet 558, MedGen C0024796, MONDO:0007947, OMIM 154700.
Weill-Marchesani syndrome 2, dominant. Also called: Weill-Marchesani Syndrome, Autosomal Dominant; FBN1-Related Weill-Marchesani Syndrome. Identifiers: Orphanet 2084, MedGen C1869115, MONDO:0012013, OMIM 608328.
Geleophysic dysplasia 2 (GPHYSD2). Identifiers: Orphanet 2623, MedGen C3280054, MONDO:0013612, OMIM 614185.
Acromicric dysplasia (ACMICD). Also called: Acromicric skeletal dysplasia. Identifiers: Orphanet 969, MedGen C0265287, MONDO:0007055, OMIM 102370.
Progeroid and marfanoid aspect-lipodystrophy syndrome. Also called: MARFANOID-PROGEROID-LIPODYSTROPHY SYNDROME; MARFANOID-PROGEROID SYNDROME; MARFAN-PROGEROID-LIPODYSTROPHY SYNDROME; Marfan lipodystrophy syndrome. Identifiers: Orphanet 300382, MedGen C4310796, MONDO:0014831, OMIM 616914.
Ectopia lentis 1, isolated, autosomal dominant (ECTOL1). Identifiers: Orphanet 1885, MedGen C3541518, MONDO:0007514, OMIM 129600.
MASS syndrome (OCTD). Also called: OVERLAP CONNECTIVE TISSUE DISEASE; MASS PHENOTYPE. Identifiers: MedGen C1858556, MONDO:0011431, OMIM 604308.
Stiff skin syndrome (SSKS). Identifiers: Orphanet 2833, MedGen C1861456, MONDO:0008492, OMIM 184900.

Submissions (8):

Labcorp Genetics (formerly Invitae), Labcorp
Classification: Pathogenic for Marfan syndrome; Familial thoracic aortic aneurysm and aortic dissection. Last evaluated: 2025-08-18. Review status: criteria provided, single submitter. Criteria: Invitae Variant Classification Sherloc (09022015). Collection method: clinical testing. Allele origin: germline.
Comment: This sequence change replaces tyrosine, which is neutral and polar, with cysteine, which is neutral and slightly polar, at codon 746 of the FBN1 protein (p.Tyr746Cys). This variant is not present in population databases (gnomAD no frequency). This missense change has been observed in individual(s) with Marfan syndrome (PMID: 7611299). In at least one individual the variant was observed to be de novo. ClinVar contains an entry for this variant (Variation ID: 495574). Invitae Evidence Modeling of protein sequence and biophysical properties (such as structural, functional, and spatial information, amino acid conservation, physicochemical variation, residue mobility, and thermodynamic stability) indicates that this missense variant is expected to disrupt FBN1 protein function with a positive predictive value of 95%. For these reasons, this variant has been classified as Pathogenic.

Mayo Clinic Laboratories, Mayo Clinic
Classification: Likely pathogenic. Last evaluated: 2025-02-18. Review status: criteria provided, single submitter. Criteria: ACMG Guidelines, 2015. Collection method: clinical testing. Allele origin: germline. Observed: 1 variant allele.
Comment: PP3, PM1, PM2_supporting, PS4

CeGaT Center for Human Genetics Tuebingen
Classification: Pathogenic. Last evaluated: 2024-02-01. Review status: criteria provided, single submitter. Criteria: CeGaT Center For Human Genetics Tuebingen Variant Classification Criteria Version 2. Collection method: clinical testing. Allele origin: germline. Affected: yes. Observed: 1 variant allele.
Comment: FBN1: PM1:Strong, PM2, PS4:Moderate, PM6:Supporting, PP4

GeneDx
Classification: Likely pathogenic. Last evaluated: 2022-04-01. Review status: criteria provided, single submitter. Criteria: GeneDx Variant Classification Process June 2021. Collection method: clinical testing. Allele origin: germline. Affected: yes.
Comment: Has been reported in an individual with Marfan syndrome (Nijbroek et al., 1995); Not observed at significant frequency in large population cohorts (gnomAD); In silico analysis supports that this missense variant has a deleterious effect on protein structure/function; Introduces a new cysteine residue within a calcium-binding EGF-like domain of the FBN1 gene, which may affect disulfide bonding and is predicted to alter the structure and function of the protein; cysteine substitutions in the calcium-binding EGF-like domains represent the majority of pathogenic missense changes associated with FBN1-related disorders (Collod-Beroud et al., 2003); This variant is associated with the following publications: (PMID: 9401003, 7611299)

Centre of Medical Genetics, University of Antwerp
Classification: Likely pathogenic for Marfan syndrome. Last evaluated: 2021-03-01. Review status: criteria provided, single submitter. Criteria: Submitter's publication. Collection method: research. Allele origin: unknown. Affected: yes.
Comment: PM2, PS5, PP4

Women's Health and Genetics/Laboratory Corporation of America, LabCorp
Classification: Likely pathogenic for Marfan Syndrome/Loeys-Dietz Syndrome/Familial Thoracic Aortic Aneurysms and Dissections. Last evaluated: 2017-02-08. Review status: criteria provided, single submitter. Criteria: LabCorp Variant Classification Summary - May 2015. Collection method: clinical testing. Allele origin: germline.
Comment: Variant summary: The FBN1 c.2237A>G (p.Tyr746Cys) variant involves the alteration of a conserved nucleotide and results in a replacement of a large size and aromatic Tyrosine (Y) with a medium size and polar Cysteine (C) located in a Ca-binding EGF-like domain (Giampietro_COP_2002). 4/4 in silico tools predict a damaging outcome for this variant (SNPs&GO not captured due to low reliability index). This variant is absent in the ExAC database (0/121350 control chromosomes), a large control database. A patient harboring the variant displayed a classic Marfan syndrome phenotype that involved "the ocular, skeletal, and cardiovascular systems" (Nijbroek_AJHG_1995). Family studies showed that the variant was a sporadic, de novo mutational event. Taken together and given that a cysteine is gained which is a frequent mechanism of disease, this variant is classified as likely pathogenic.

Center for Genomics, Ann and Robert H. Lurie Children's Hospital of Chicago
Classification: Likely pathogenic for Geleophysic dysplasia 2; Weill-Marchesani syndrome 2, dominant; Ectopia lentis 1, isolated, autosomal dominant; MASS syndrome; Progeroid and marfanoid aspect-lipodystrophy syndrome; Acromicric dysplasia; Marfan syndrome; Stiff skin syndrome. Review status: criteria provided, single submitter. Criteria: ACMG Guidelines, 2015. Collection method: clinical testing. Allele origin: germline.
Comment: FBN1 NM_000138.4 exon 18 p.Tyr746Cys (c.2237A>G): This variant has been reported in the literature as a de novo variant in one individual with classic Marfan syndrome (Nijbroek 1995 PMID:7611299). This variant is not present in large control databases but is present in ClinVar (Variation ID:495574). Evolutionary conservation and computational predictive tools suggest that this variant may impact the protein. Of note, this variant is predicted to affect a cysteine residue. Cysteine in the FBN1 gene is reported to have important functional relevance; variants that involve a cysteine residue are reported to be particularly significant (Dietz 1992 PMID:1301946). In summary, data on this variant is highly suspicious for disease, but requires further evidence for pathogenicity. Therefore, this variant is classified as likely pathogenic.

Neuberg Centre For Genomic Medicine, NCGM
Classification: Likely pathogenic for Marfan syndrome. Review status: criteria provided, single submitter. Criteria: ACMG Guidelines, 2015. Collection method: clinical testing. Allele origin: germline. Inheritance: Autosomal dominant inheritance. Affected: yes.
Comment: The missense c.2237A>G (p.Tyr746Cys) variant in FBN1 gene has been reported in heterozygous state in association with Marfan syndrome; there Family studies showed that the variant was a sporadic, de novo mutational event. (Nijbroek G et al., 1995).The variant is novel (not in any individuals) in gnomAD Exomes and 1000 Genomes. It has been submitted to ClinVar with varying interpretations: Pathogenic/ Likely Pathogenic. The amino acid Tyr at position 746 is changed to a Cys changing protein sequence and it might alter its composition and physico-chemical properties. The amino acid change p.Tyr746Cys in FBN1 is predicted as conserved by GERP++ and PhyloP across 100 vertebrates. Also, cysteine is gained, which is a frequent mechanism of disease. For these reasons, this variant has been classified as Likely Pathogenic.

Literature cited by the submitters: PubMed 7611299 (cited by 3 submitters); PubMed 34916231 (cited by Mayo Clinic Laboratories, Mayo Clinic); PubMed 35058154 (cited by Mayo Clinic Laboratories, Mayo Clinic); PubMed 35612688 (cited by Mayo Clinic Laboratories, Mayo Clinic); PubMed 36517271 (cited by Mayo Clinic Laboratories, Mayo Clinic); PubMed 11068200 (cited by Women's Health and Genetics/Laboratory Corporation of America, LabCorp); PubMed 11880731 (cited by Women's Health and Genetics/Laboratory Corporation of America, LabCorp); PubMed 8791520 (cited by Women's Health and Genetics/Laboratory Corporation of America, LabCorp); PubMed 11143906 (cited by Women's Health and Genetics/Laboratory Corporation of America, LabCorp); PubMed 8541880 (cited by Women's Health and Genetics/Laboratory Corporation of America, LabCorp); PubMed 10942427 (cited by Women's Health and Genetics/Laboratory Corporation of America, LabCorp); PubMed 9401003 (cited by Women's Health and Genetics/Laboratory Corporation of America, LabCorp); PubMed 9399842 (cited by Women's Health and Genetics/Laboratory Corporation of America, LabCorp).

NM_000138.5(FBN1):c.2237A>G (p.Tyr746Cys)

Gene: FBN1 (fibrillin 1; minus strand). Cytogenetic location: 15q21.1.
Variant type: single nucleotide variant.
Coding change: c.2237A>G on transcript NM_000138.5 (MANE Select); coding-DNA position 2237, A replaced by G.
Protein change: p.Tyr746Cys; replaces tyrosine 746 with cysteine.
Molecular consequence: missense variant.
Genome position (GRCh38, 1-based): chr15:48,497,322, T>C on the plus strand (A>G on the coding strand, the complement: FBN1 is on the minus strand). VCF-style: chr15-48497322-T-C. GRCh37 (hg19) VCF-style: chr15-48789519-T-C.
Other names: p.Tyr746Cys; short protein forms Y746C.
Identifiers: ClinVar variation 495574 (VCV000495574.54), dbSNP rs1555399372, ClinGen allele CA16602231.